The following is an entry in ClinVar:

NM_015102.5(NPHP4):c.725A>G (p.Asp242Gly)

Gene: NPHP4 (nephrocystin 4; minus strand). Cytogenetic location: 1p36.31.
Variant type: single nucleotide variant.
Coding change: c.725A>G on transcript NM_015102.5 (MANE Select); coding-DNA position 725, A replaced by G.
Protein change: p.Asp242Gly; replaces aspartic acid 242 with glycine.
Molecular consequence: missense variant. On other transcripts: 5 prime UTR variant (1), non-coding transcript variant (1), intron variant (1).
Genome position (GRCh38, 1-based): chr1:5,952,785, T>C on the plus strand (A>G on the coding strand, the complement: NPHP4 is on the minus strand). VCF-style: chr1-5952785-T-C. GRCh37 (hg19) VCF-style: chr1-6012845-T-C.
Other names: c.-642A>G (NM_001291594.2); c.-556-4534A>G (NM_001291593.2); short protein forms D242G.
Identifiers: ClinVar variation 2895454 (VCV002895454.2), dbSNP rs912722426, ClinGen allele CA17161283.
Genomic context (GRCh38, chr1:5,952,785, plus strand): 5'-AGCTCCAGCAGCTCTTCCTCAAACTTCTCCAGGGAGGGGTACAGGGTGAAGAATAAGTCA[T>C]CCAAGTGCCCCGTGATGGGCTTCTGGAGGCGAGGCTTTCGGAGAGCGTCGCCTGAAACAG-3'
Protein context (NP_055917.1, residues 232-252): RLQKPITGHL[Asp242Gly]DLFFTLYPSL

ClinVar aggregate classification (germline): Uncertain significance (1 of 4 stars; one submission).

Conditions:
Nephronophthisis. Also called: Juvenile Nephronophthisis. Identifiers: Orphanet 655, MedGen C0687120, MONDO:0019005, HP:0000090.

Allele frequency attached by ClinVar (database versions not stated): gnomAD exomes below 0.00001; gnomAD 0.00001; TOPMed 0.00004.
gnomAD v4.1: 5 of 1,591,706 alleles (0.00031%); highest among the groups gnomAD compares: African/African-American, 0.0054%; no homozygotes.

Submission:

Labcorp Genetics (formerly Invitae), Labcorp
Classification: Uncertain significance for Nephronophthisis. Last evaluated: 2023-05-24. Review status: criteria provided, single submitter. Criteria: Invitae Variant Classification Sherloc (09022015). Collection method: clinical testing. Allele origin: germline.
Comment: In summary, the available evidence is currently insufficient to determine the role of this variant in disease. Therefore, it has been classified as a Variant of Uncertain Significance. Advanced modeling of protein sequence and biophysical properties (such as structural, functional, and spatial information, amino acid conservation, physicochemical variation, residue mobility, and thermodynamic stability) performed at Invitae indicates that this missense variant is expected to disrupt NPHP4 protein function. This variant has not been reported in the literature in individuals affected with NPHP4-related conditions. This variant is present in population databases (no rsID available, gnomAD 0.005%). This sequence change replaces aspartic acid, which is acidic and polar, with glycine, which is neutral and non-polar, at codon 242 of the NPHP4 protein (p.Asp242Gly).